The following is an entry in ClinVar:

NM_001853.4(COL9A3):c.1546C>G (p.Pro516Ala)

Genes: COL9A3 (collagen type IX alpha 3 chain; plus strand), LOC126863084 (MED14-independent group 3 enhancer GRCh37_chr20:61467141-61468340; plus strand). Cytogenetic location: 20q13.33.
Variant type: single nucleotide variant.
Coding change: c.1546C>G on transcript NM_001853.4 (MANE Select); coding-DNA position 1546, C replaced by G.
Protein change: p.Pro516Ala; replaces proline 516 with alanine.
Molecular consequence: missense variant.
Genome position (GRCh38, 1-based): chr20:62,836,331, C>G. VCF-style: chr20-62836331-C-G. GRCh37 (hg19) VCF-style: chr20-61467683-C-G.
Other names: c.1546C>G (NM_001853.3); short protein forms P516A.
Identifiers: ClinVar variation 2185042 (VCV002185042.6), dbSNP rs781411607, ClinGen allele CA9950018.

ClinVar aggregate classification (germline): Uncertain significance. Review status: criteria provided, multiple submitters, no conflicts (2 of 4 stars). 3 submissions from 3 submitters: Uncertain significance (3). Last evaluated 2026-06-19.

Conditions:
COL9A3-related disorder. Also called: COL9A3-related condition.

Allele frequency attached by ClinVar (database versions not stated): gnomAD 0.00004; ExAC 0.00006; TOPMed 0.00001.
gnomAD v4.1: 68 of 1,613,696 alleles (0.0042%); highest among the groups gnomAD compares: South Asian, 0.013%; no homozygotes.

Submissions (3):

PreventionGenetics, part of Exact Sciences
Classification: Uncertain significance for COL9A3-related condition. Last evaluated: 2026-06-19. Review status: criteria provided, single submitter. Criteria: ACMG Guidelines, 2015. Collection method: clinical testing. Allele origin: germline.
Comment: The COL9A3 c.1546C>G variant is predicted to result in the amino acid substitution p.Pro516Ala. To our knowledge, this variant has not been reported in the literature. This variant is reported in 0.0070% of alleles in individuals of European (Non-Finnish) descent in gnomAD. At this time, the clinical significance of this variant is uncertain due to the absence of conclusive functional and genetic evidence.

Labcorp Genetics (formerly Invitae), Labcorp
Classification: Uncertain significance. Last evaluated: 2025-12-19. Review status: criteria provided, single submitter. Criteria: Invitae Variant Classification Sherloc (09022015). Collection method: clinical testing. Allele origin: germline.
Comment: This sequence change replaces proline, which is neutral and non-polar, with alanine, which is neutral and non-polar, at codon 516 of the COL9A3 protein (p.Pro516Ala). This variant is present in population databases (rs781411607, gnomAD 0.007%). This variant has not been reported in the literature in individuals affected with COL9A3-related conditions. ClinVar contains an entry for this variant (Variation ID: 2185042). An algorithm developed to predict the effect of missense changes on protein structure and function (PolyPhen-2) suggests that this variant is likely to be disruptive. In summary, the available evidence is currently insufficient to determine the role of this variant in disease. Therefore, it has been classified as a Variant of Uncertain Significance.

GeneDx
Classification: Uncertain significance. Last evaluated: 2023-04-11. Review status: criteria provided, single submitter. Criteria: GeneDx Variant Classification Process June 2021. Collection method: clinical testing. Allele origin: germline. Affected: yes.
Comment: Has not been previously published as pathogenic or benign to our knowledge; In silico analysis supports that this missense variant does not alter protein structure/function